The following is an entry in ClinVar:

NM_002941.4(ROBO1):c.1966+1G>A

Gene: ROBO1 (roundabout guidance receptor 1; minus strand). Cytogenetic location: 3p12.3.
Variant type: single nucleotide variant.
Coding change: c.1966+1G>A on transcript NM_002941.4 (MANE Select); the canonical splice donor site of the intron after coding-DNA position 1966, G replaced by A.
Molecular consequence: splice donor variant.
Genome position (GRCh38, 1-based): chr3:78,667,882, C>T on the plus strand (G>A on the coding strand, the complement: ROBO1 is on the minus strand). VCF-style: chr3-78667882-C-T. GRCh37 (hg19) VCF-style: chr3-78717032-C-T.
Other names: c.1858+1G>A (NM_001145845.2, NM_133631.4).
Identifiers: ClinVar variation 5017588 (VCV005017588.1).

ClinVar aggregate classification (germline): Likely pathogenic (1 of 4 stars; one submission).

Submission:

GeneDx
Classification: Likely pathogenic. Last evaluated: 2026-03-31. Review status: criteria provided, single submitter. Criteria: GeneDx Variant Classification Process June 2021. Collection method: clinical testing. Allele origin: germline.
Comment: Canonical splice site variant predicted to result in a null allele in a gene for which loss of function is a known mechanism of disease; Not observed at significant frequency in large population cohorts (gnomAD); Has not been previously published as pathogenic or benign to our knowledge